The following is an entry in ClinVar:

NM_206933.4(USH2A):c.12897G>T (p.Arg4299Ser)

Gene: USH2A (usherin; minus strand). Cytogenetic location: 1q41.
Variant type: single nucleotide variant.
Coding change: c.12897G>T on transcript NM_206933.4 (MANE Select); coding-DNA position 12897, G replaced by T.
Protein change: p.Arg4299Ser; replaces arginine 4299 with serine.
Molecular consequence: missense variant.
Genome position (GRCh38, 1-based): chr1:215,675,014, C>A on the plus strand (G>T on the coding strand, the complement: USH2A is on the minus strand). VCF-style: chr1-215675014-C-A. GRCh37 (hg19) VCF-style: chr1-215848356-C-A.
Other names: short protein forms R4299S.
Identifiers: ClinVar variation 667356 (VCV000667356.16), dbSNP rs143898511, ClinGen allele CA1393392.

ClinVar aggregate classification (germline): Uncertain significance. Review status: criteria provided, multiple submitters, no conflicts (2 of 4 stars). 9 submissions from 8 submitters: Uncertain significance (8). 1 of the submissions does not count toward it. Last evaluated 2026-08-21.

Conditions:
Retinitis pigmentosa 39 (RP39). Identifiers: Orphanet 791, MedGen C3151138, MONDO:0013436, OMIM 613809.
Usher syndrome type 2A. Also called: RETINAL DISEASE IN USHER SYNDROME TYPE IIA, MODIFIER OF; USHER SYNDROME, TYPE IIA. Identifiers: Orphanet 231178, Orphanet 886, MedGen C1848634, MONDO:0010169, OMIM 276901.
USH2A-related disorder. Also called: USH2A-related disorders; USH2A-related condition. Identifiers: MedGen CN239332.
Inborn genetic diseases. Identifiers: MedGen C0950123, MeSH D030342.

Allele frequency attached by ClinVar (database versions not stated): ExAC 0.00002; gnomAD exomes 0.00002 and 0.00021; TOPMed 0.00007; ESP Exome Variant Server 0.00008; gnomAD 0.00010; 1000 Genomes Project 30x 0.00016; 1000 Genomes Project 0.00020.
gnomAD v4.1: 315 of 1,614,120 alleles (0.02%); highest among the groups gnomAD compares: Non-Finnish European, 0.026%; no homozygotes.

Submissions (10):

PreventionGenetics, part of Exact Sciences
Classification: Uncertain significance for USH2A-related condition. Last evaluated: 2026-08-21. Review status: criteria provided, single submitter. Criteria: ACMG Guidelines, 2015. Collection method: clinical testing. Allele origin: germline.
Comment: The USH2A c.12897G>T variant is predicted to result in the amino acid substitution p.Arg4299Ser. To our knowledge, this variant has not been reported in the literature. This variant is present in 0.0047% of alleles in individuals of European (Non-Finnish) descent in gnomAD. At this time, the clinical significance of this variant is uncertain due to the absence of conclusive functional and genetic evidence.

GeneDx
Classification: Uncertain significance. Last evaluated: 2025-09-25. Review status: criteria provided, single submitter. Criteria: GeneDx Variant Classification Process June 2021. Collection method: clinical testing. Allele origin: germline. Affected: yes.
Comment: Not observed at significant frequency in large population cohorts (gnomAD); In silico analysis supports that this missense variant has a deleterious effect on protein structure/function; Has not been previously published as pathogenic or benign to our knowledge

Blueprint Genetics
Classification: Uncertain significance. Last evaluated: 2023-11-22. Review status: criteria provided, single submitter. Criteria: ACMG Guidelines, 2015. Collection method: clinical testing. Allele origin: germline.

Genome-Nilou Lab
Classification: Uncertain significance for Retinitis pigmentosa 39. Last evaluated: 2023-11-04. Review status: criteria provided, single submitter. Criteria: ACMG Guidelines, 2015. Collection method: clinical testing. Allele origin: germline. Affected: no.

Genome-Nilou Lab
Classification: Uncertain significance for Usher syndrome type 2A. Last evaluated: 2023-11-04. Review status: criteria provided, single submitter. Criteria: ACMG Guidelines, 2015. Collection method: clinical testing. Allele origin: germline. Affected: no.

Ambry Genetics
Classification: Uncertain significance for Inborn genetic diseases. Last evaluated: 2022-12-21. Review status: criteria provided, single submitter. Criteria: Ambry Variant Classification Scheme 2023. Collection method: clinical testing. Allele origin: germline.

Labcorp Genetics (formerly Invitae), Labcorp
Classification: Uncertain significance. Last evaluated: 2022-08-09. Review status: criteria provided, single submitter. Criteria: Invitae Variant Classification Sherloc (09022015). Collection method: clinical testing. Allele origin: germline.
Comment: This sequence change replaces arginine, which is basic and polar, with serine, which is neutral and polar, at codon 4299 of the USH2A protein (p.Arg4299Ser). This variant is present in population databases (rs143898511, gnomAD 0.004%). This variant has not been reported in the literature in individuals affected with USH2A-related conditions. ClinVar contains an entry for this variant (Variation ID: 667356). Algorithms developed to predict the effect of missense changes on protein structure and function (SIFT, PolyPhen-2, Align-GVGD) all suggest that this variant is likely to be disruptive. In summary, the available evidence is currently insufficient to determine the role of this variant in disease. Therefore, it has been classified as a Variant of Uncertain Significance.

Laboratory for Molecular Medicine, Mass General Brigham Personalized Medicine
Classification: Uncertain significance. Last evaluated: 2018-02-27. Review status: criteria provided, single submitter. Criteria: LMM Criteria. Collection method: clinical testing. Allele origin: germline. Observed: 1 variant allele.
Comment: The p.Arg4299Ser variant in USH2A has not been previously reported in individual s with hearing loss, but has been identified in 4/126364 European chromosomes by the Genome Aggregation Database (gnomAD; dbSN P rs143898511). Although this variant has been seen in the general population, i ts frequency is not high enough to rule out a pathogenic role. Computational pre diction tools and conservation analysis do not provide strong support for or aga inst an impact to the protein. In summary, the clinical significance of the p.Ar g4299Ser variant is uncertain. ACMG/AMP Criteria applied: PM2.

Natera, Inc.
Classification: Uncertain significance for Usher syndrome type 2A. Last evaluated: 2020-02-17. Review status: no assertion criteria provided. Collection method: clinical testing. Allele origin: germline. Not counted in ClinVar's aggregate classification.

Dr. Peter K. Rogan Lab, Western University
No classification provided (evidence only). Condition: Familial cancer of breast. Review status: no classification provided. Collection method: in vitro. Allele origin: not applicable. Functional consequence: retained intron. Not counted in ClinVar's aggregate classification.